The following is an entry in ClinVar:

ClinVar aggregate classification (germline): Likely benign. Review status: criteria provided, multiple submitters, no conflicts (2 of 4 stars). 2 submissions from 2 submitters: Likely benign (2). Last evaluated 2025-08-16.

Conditions:
Arrhythmogenic cardiomyopathy with wooly hair and keratoderma. Also called: PALMOPLANTAR KERATODERMA WITH LEFT VENTRICULAR CARDIOMYOPATHY AND WOOLLY HAIR; Carvajal syndrome; Dilated cardiomyopathy with woolly hair and keratoderma; Arrhythmogenic cardiomyopathy with woolly hair and keratoderma. Identifiers: Orphanet 65282, MedGen C1854063, MONDO:0011581, OMIM 605676.
Arrhythmogenic right ventricular dysplasia 8 (ARVD8). Also called: ARRHYTHMOGENIC RIGHT VENTRICULAR DYSPLASIA, FAMILIAL, 8; ARRHYTHMOGENIC RIGHT VENTRICULAR CARDIOMYOPATHY 8; Arrhythmogenic Right Ventricular Dysplasia/Cardiomyopathy 8. Identifiers: MedGen C1843896, MONDO:0011831, OMIM 607450.

Allele frequency attached by ClinVar (database versions not stated): TOPMed below 0.00001.

Submissions (2):

Labcorp Genetics (formerly Invitae), Labcorp
Classification: Likely benign for Arrhythmogenic cardiomyopathy with wooly hair and keratoderma; Arrhythmogenic right ventricular dysplasia 8. Last evaluated: 2025-08-16. Review status: criteria provided, single submitter. Criteria: Invitae Variant Classification Sherloc (09022015). Collection method: clinical testing. Allele origin: germline.

All of Us Research Program, National Institutes of Health
Classification: Likely benign for Arrhythmogenic cardiomyopathy with wooly hair and keratoderma. Last evaluated: 2023-08-15. Review status: criteria provided, single submitter. Criteria: ACMG Guidelines, 2015. Collection method: clinical testing. Allele origin: germline. Inheritance: Autosomal dominant inheritance. Observed: 1 variant allele, 1 heterozygote.
Comment: This study involves interpretation of variants in research participants for the purpose of population health screening. Participant phenotype was not available at the time of variant classification. Additional details can be found in publication PMID: 35346344, PMCID: PMC8962531

NM_004415.4(DSP):c.1458C>T (p.Asp486=)

Gene: DSP (desmoplakin; plus strand). Cytogenetic location: 6p24.3.
Variant type: single nucleotide variant.
Coding change: c.1458C>T on transcript NM_004415.4 (MANE Select); coding-DNA position 1458, C replaced by T.
Protein change: p.Asp486=; no amino-acid change (aspartic acid 486 retained).
Molecular consequence: synonymous variant.
Genome position (GRCh38, 1-based): chr6:7,569,224, C>T. VCF-style: chr6-7569224-C-T. GRCh37 (hg19) VCF-style: chr6-7569457-C-T.
Other names: c.1458C>T, p.Asp486= (NM_001008844.3, NM_001319034.2).
Identifiers: ClinVar variation 3073020 (VCV003073020.3), dbSNP rs972254991, ClinGen allele CA133956346.